The following is an entry in ClinVar:

ClinVar aggregate classification (germline): Uncertain significance. Review status: criteria provided, multiple submitters, no conflicts (2 of 4 stars). 2 submissions from 2 submitters: Uncertain significance (2). Last evaluated 2024-12-23.

Conditions:
Achondrogenesis, type IA (ACG1A). Identifiers: Orphanet 932, Orphanet 93299, MedGen C0265273, MONDO:0008701, OMIM 200600.

Allele frequency attached by ClinVar (database versions not stated): ExAC 0.00002; gnomAD exomes 0.00002; TOPMed 0.00004; gnomAD 0.00005.
gnomAD v4.1: 81 of 1,611,192 alleles (0.005%); highest among the groups gnomAD compares: East Asian, 0.013%; no homozygotes.

Submissions (2):

GeneDx
Classification: Uncertain significance. Last evaluated: 2024-12-23. Review status: criteria provided, single submitter. Criteria: GeneDx Variant Classification Process June 2021. Collection method: clinical testing. Allele origin: germline. Affected: yes.
Comment: Not observed at significant frequency in large population cohorts (gnomAD); In silico analysis indicates that this missense variant does not alter protein structure/function; Has not been previously published as pathogenic or benign to our knowledge

Labcorp Genetics (formerly Invitae), Labcorp
Classification: Uncertain significance for Achondrogenesis, type IA. Last evaluated: 2022-08-09. Review status: criteria provided, single submitter. Criteria: Invitae Variant Classification Sherloc (09022015). Collection method: clinical testing. Allele origin: germline.
Comment: This sequence change replaces arginine with glutamine at codon 225 of the TRIP11 protein (p.Arg225Gln). The arginine residue is weakly conserved and there is a small physicochemical difference between arginine and glutamine. This variant is present in population databases (rs746390355, gnomAD 0.007%). This variant has not been reported in the literature in individuals affected with TRIP11-related conditions. ClinVar contains an entry for this variant (Variation ID: 1397214). Algorithms developed to predict the effect of missense changes on protein structure and function output the following: SIFT: "Not Available"; PolyPhen-2: "Benign"; Align-GVGD: "Not Available". The glutamine amino acid residue is found in multiple mammalian species, which suggests that this missense change does not adversely affect protein function. In summary, the available evidence is currently insufficient to determine the role of this variant in disease. Therefore, it has been classified as a Variant of Uncertain Significance.

NM_004239.4(TRIP11):c.674G>A (p.Arg225Gln)

Gene: TRIP11 (thyroid hormone receptor interactor 11; minus strand). Cytogenetic location: 14q32.12.
Variant type: single nucleotide variant.
Coding change: c.674G>A on transcript NM_004239.4 (MANE Select); coding-DNA position 674, G replaced by A.
Protein change: p.Arg225Gln; replaces arginine 225 with glutamine.
Molecular consequence: missense variant.
Genome position (GRCh38, 1-based): chr14:92,015,845, C>T on the plus strand (G>A on the coding strand, the complement: TRIP11 is on the minus strand). VCF-style: chr14-92015845-C-T. GRCh37 (hg19) VCF-style: chr14-92482189-C-T.
Other names: c.671G>A, p.Arg224Gln (NM_001321851.1); c.674G>A (NM_004239.3); short protein forms R224Q, R225Q.
Identifiers: ClinVar variation 1397214 (VCV001397214.7), dbSNP rs746390355, ClinGen allele CA7314117.
Genomic context (GRCh38, chr14:92,015,845, plus strand): 5'-TGTTGGTGTGCATTCTGCAGTACTGACATTTCATGTTGATGGTCATCAATTTCCTGACTT[C>T]GGTTCTGTTTTAGTTCCTTAAAAAATAAAAACAAAGTTATTCACATTTATAATCAATAAA-3'
Protein context (NP_004230.2, residues 215-235): QNIIKELKQN[Arg225Gln]SQEIDDHQHE